The following is an entry in ClinVar:

NM_004006.3(DMD):c.8483T>A (p.Leu2828Ter)

Gene: DMD (dystrophin; minus strand). Cytogenetic location: Xp21.2.
Variant type: single nucleotide variant.
Coding change: c.8483T>A on transcript NM_004006.3 (MANE Select); coding-DNA position 8483, T replaced by A.
Protein change: p.Leu2828Ter; replaces leucine 2828 with a stop codon.
Molecular consequence: nonsense.
Genome position (GRCh38, 1-based): chrX:31,496,852, A>T on the plus strand (T>A on the coding strand, the complement: DMD is on the minus strand). VCF-style: chrX-31496852-A-T. GRCh37 (hg19) VCF-style: chrX-31514969-A-T.
Other names: c.8459T>A, p.Leu2820Ter (NM_000109.4); c.8471T>A, p.Leu2824Ter (NM_004009.3); c.8114T>A, p.Leu2705Ter (NM_004010.3); c.4460T>A, p.Leu1487Ter (NM_004011.4); c.4451T>A, p.Leu1484Ter (NM_004012.4); c.1103T>A, p.Leu368Ter (NM_004013.3, NM_004020.4, NM_004021.3 and 2 more transcripts); c.296T>A, p.Leu99Ter (NM_004014.3); short protein forms L1484*, L1487*, L2705*, L2820*, L2824*, L2828*, L368*, L99*.
Identifiers: ClinVar variation 984214 (VCV000984214.4), dbSNP rs2069915167, ClinGen allele CA412655492.

ClinVar aggregate classification (germline): Likely pathogenic (1 of 4 stars; one submission).

Conditions:
Progressive muscular dystrophy. Identifiers: Orphanet 206644, MedGen C4551827, MONDO:0016106.

Submission:

Myriad Genetics, Inc.
Classification: Likely pathogenic for Progressive muscular dystrophy. Last evaluated: 2019-09-17. Review status: criteria provided, single submitter. Criteria: Myriad Autosomal Dominant, Autosomal Recessive and X-Linked Classification Criteria (2023). Collection method: clinical testing. Allele origin: unknown.
Comment: NM_004006.2(DMD):c.8483T>A(L2828*) is expected to be pathogenic in the context of dystrophinopathy (including Duchenne/Becker muscular dystrophy). This variant is predicted to lead to an abnormal or absent protein product due to the creation of a premature termination codon in DMD, a gene where loss-of-function variants are known to be pathogenic. Please note: this variant was assessed in the context of healthy population screening.